The following is an entry in ClinVar:

ClinVar aggregate classification (germline): Benign. Review status: criteria provided, multiple submitters, no conflicts (2 of 4 stars). 4 submissions from 4 submitters: Benign (4). Last evaluated 2026-02-01.

Allele frequency attached by ClinVar (database versions not stated): TOPMed 0.00908; 1000 Genomes Project 0.01298; 1000 Genomes Project 30x 0.01374; gnomAD exomes 0.00245; ExAC 0.00286; ESP Exome Variant Server 0.00907.
gnomAD v4.1: 2,944 of 1,614,092 alleles (0.18%); highest among the groups gnomAD compares: African/African-American, 2.9%; 38 homozygotes.

Submissions (4):

Labcorp Genetics (formerly Invitae), Labcorp
Classification: Benign. Last evaluated: 2026-02-01. Review status: criteria provided, single submitter. Criteria: Invitae Variant Classification Sherloc (09022015). Collection method: clinical testing. Allele origin: germline.

Mayo Clinic Laboratories, Mayo Clinic
Classification: Benign. Last evaluated: 2020-01-09. Review status: criteria provided, single submitter. Criteria: ACMG Guidelines, 2015. Collection method: clinical testing. Allele origin: germline. Observed: 13 variant alleles.

Center for Pediatric Genomic Medicine, Children's Mercy Hospital and Clinics
Classification: Benign. Last evaluated: 2016-12-30. Review status: criteria provided, single submitter. Criteria: ACMG Guidelines, 2015. Collection method: clinical testing. Allele origin: germline.

GeneDx
Classification: Benign. Last evaluated: 2016-06-06. Review status: criteria provided, single submitter. Criteria: GeneDx Variant Classification (06012015). Collection method: clinical testing. Allele origin: germline. Affected: yes.
Comment: This variant is considered likely benign or benign based on one or more of the following criteria: it is a conservative change, it occurs at a poorly conserved position in the protein, it is predicted to be benign by multiple in silico algorithms, and/or has population frequency not consistent with disease.

NM_017909.4(RMND1):c.140G>A (p.Arg47His)

Gene: RMND1 (required for meiotic nuclear division 1 homolog; minus strand). Cytogenetic location: 6q25.1.
Variant type: single nucleotide variant.
Coding change: c.140G>A on transcript NM_017909.4 (MANE Select); coding-DNA position 140, G replaced by A.
Protein change: p.Arg47His; replaces arginine 47 with histidine.
Molecular consequence: missense variant. On other transcripts: intron variant (1).
Genome position (GRCh38, 1-based): chr6:151,445,672, C>T on the plus strand (G>A on the coding strand, the complement: RMND1 is on the minus strand). VCF-style: chr6-151445672-C-T. GRCh37 (hg19) VCF-style: chr6-151766807-C-T.
Other names: p.Arg47His; c.-7+6344G>A (NM_001271937.2); short protein forms R47H.
Identifiers: ClinVar variation 377296 (VCV000377296.13), dbSNP rs6934360, ClinGen allele CA4051095.